The following is an entry in ClinVar:

NM_001148.6(ANK2):c.9279C>G (p.Thr3093=)

Gene: ANK2 (ankyrin 2; plus strand). Cytogenetic location: 4q26.
Variant type: single nucleotide variant.
Coding change: c.9279C>G on transcript NM_001148.6 (MANE Select); coding-DNA position 9279, C replaced by G.
Protein change: p.Thr3093=; no amino-acid change (threonine 3093 retained).
Molecular consequence: synonymous variant. On other transcripts: intron variant (68).
Genome position (GRCh38, 1-based): chr4:113,357,897, C>G. VCF-style: chr4-113357897-C-G. GRCh37 (hg19) VCF-style: chr4-114279053-C-G.
Other names: c.9045C>G, p.Thr3015= (NM_001386142.1); c.5679C>G, p.Thr1893= (NM_001386166.1); c.9420C>G, p.Thr3140= (NM_001386174.1); c.9396C>G, p.Thr3132= (NM_001386175.1); c.4412-2926C>G (NM_001386186.2, NM_001386148.2); c.4214-2926C>G (NM_001354269.3); c.4292-2926C>G (NM_001386187.2); c.4253-2926C>G (NM_001386147.1); and 35 more.
Identifiers: ClinVar variation 238594 (VCV000238594.22), dbSNP rs148851013, ClinGen allele CA3051896.

ClinVar aggregate classification (germline): Conflicting classifications of pathogenicity. Review status: criteria provided, conflicting classifications (1 of 4 stars). 6 submissions from 6 submitters: Uncertain significance (1); Benign (2); Likely benign (2). 1 of the submissions does not count toward it. Last evaluated 2025-11-21.

Conditions:
ANK2-related disorder. Also called: ANK2-related condition.
Cardiovascular phenotype. Identifiers: MedGen CN230736.
Long QT syndrome (LQTS). Identifiers: MedGen C0023976, MeSH D008133, MONDO:0002442. Disease mechanism: loss of function. Inheritance: Various modes of inheritance.
Cardiac arrhythmia, ankyrin-B-related. Also called: ANKYRIN-B SYNDROME. Identifiers: Orphanet 101016, Orphanet 768, MedGen C1970119, MONDO:0010958, OMIM 600919.

Allele frequency attached by ClinVar (database versions not stated): gnomAD exomes 0.00015 and 0.00036; TOPMed 0.00019; gnomAD 0.00023 and 0.00026; ExAC 0.00030; ESP Exome Variant Server 0.00038.
gnomAD v4.1: 280 of 1,613,904 alleles (0.017%); highest among the groups gnomAD compares: Non-Finnish European, 0.0033%; 1 homozygote.

Submissions (6):

Labcorp Genetics (formerly Invitae), Labcorp
Classification: Benign for Long QT syndrome. Last evaluated: 2025-11-21. Review status: criteria provided, single submitter. Criteria: Invitae Variant Classification Sherloc (09022015). Collection method: clinical testing. Allele origin: germline.

Blueprint Genetics
Classification: Likely benign. Last evaluated: 2024-08-05. Review status: criteria provided, single submitter. Criteria: ACMG Guidelines, 2015. Collection method: clinical testing. Allele origin: germline.

Illumina Laboratory Services, Illumina
Classification: Uncertain significance for Cardiac arrhythmia, ankyrin-B-related. Last evaluated: 2018-01-13. Review status: criteria provided, single submitter. Criteria: ICSL Variant Classification Criteria 13 December 2019. Collection method: clinical testing. Allele origin: germline.

Ambry Genetics
Classification: Likely benign for Cardiovascular phenotype. Last evaluated: 2017-08-24. Review status: criteria provided, single submitter. Criteria: Ambry Variant Classification Scheme 2023. Collection method: clinical testing. Allele origin: germline.

GeneDx
Classification: Benign. Last evaluated: 2015-03-03. Review status: criteria provided, single submitter. Criteria: GeneDx Variant Classification Process June 2021. Collection method: clinical testing. Allele origin: germline. Affected: yes.

PreventionGenetics, part of Exact Sciences
Classification: Likely benign for ANK2-related condition. Last evaluated: 2024-04-12. Review status: no assertion criteria provided. Collection method: clinical testing. Allele origin: germline. Not counted in ClinVar's aggregate classification.
Comment: This variant is classified as likely benign based on ACMG/AMP sequence variant interpretation guidelines (Richards et al. 2015 PMID: 25741868, with internal and published modifications).